The following is an entry in ClinVar:

NM_015270.5(ADCY6):c.1613G>A (p.Arg538His)

Gene: ADCY6 (adenylate cyclase 6; minus strand). Cytogenetic location: 12q13.12.
Variant type: single nucleotide variant.
Coding change: c.1613G>A on transcript NM_015270.5 (MANE Select); coding-DNA position 1613, G replaced by A.
Protein change: p.Arg538His; replaces arginine 538 with histidine.
Molecular consequence: missense variant.
Genome position (GRCh38, 1-based): chr12:48,776,273, C>T on the plus strand (G>A on the coding strand, the complement: ADCY6 is on the minus strand). VCF-style: chr12-48776273-C-T. GRCh37 (hg19) VCF-style: chr12-49170056-C-T.
Other names: c.1613G>A, p.Arg538His (NM_001390830.1, NM_001390831.2, NM_001412819.1 and 3 more transcripts); short protein forms R538H.
Identifiers: ClinVar variation 2263121 (VCV002263121.4), dbSNP rs146870636, ClinGen allele CA6541257.

ClinVar aggregate classification (germline): Uncertain significance. Review status: criteria provided, multiple submitters, no conflicts (2 of 4 stars). 2 submissions from 2 submitters: Uncertain significance (2). Last evaluated 2025-01-17.

Conditions:
Inborn genetic diseases. Identifiers: MedGen C0950123, MeSH D030342.
Lethal congenital contracture syndrome 8 (LCCS8). Identifiers: MedGen C4225385, MONDO:0014570, OMIM 616287.

Allele frequency attached by ClinVar (database versions not stated): ExAC 0.00004; gnomAD 0.00005; TOPMed 0.00007; ESP Exome Variant Server 0.00008; gnomAD exomes 0.00018.
gnomAD v4.1: 267 of 1,614,090 alleles (0.017%); highest among the groups gnomAD compares: Non-Finnish European, 0.021%; no homozygotes.

Submissions (2):

Ambry Genetics
Classification: Uncertain significance for Inborn genetic diseases. Last evaluated: 2025-01-17. Review status: criteria provided, single submitter. Criteria: Ambry Variant Classification Scheme 2023. Collection method: clinical testing. Allele origin: germline.

Clinical Genomics Laboratory, Washington University in St. Louis
Classification: Uncertain significance for Lethal congenital contracture syndrome 8. Last evaluated: 2023-11-29. Review status: criteria provided, single submitter. Criteria: ACMG Guidelines, 2015. Collection method: clinical testing. Allele origin: germline. Affected: yes.
Comment: The ADCY6 c.1613G>A (p.Arg538His) variant, to our knowledge, has not been reported in the medical literature. This variant is only observed on 16/282,858 alleles in the general population (gnomAD v.2.1.1), indicating it is not a common variant. This variant occurs in a region with unknown function, but computational predictors indicate that the variant is damaging, evidence that correlates with impact to ADCY6 function. Due to limited information, and based on ACMG/AMP guidelines for variant interpretation (Richards S et al., PMID: 25741868), the clinical significance of this variant is uncertain at this time.